The following is an entry in ClinVar:

ClinVar aggregate classification (germline): Uncertain significance (1 of 4 stars; one submission).

Allele frequency attached by ClinVar (database versions not stated): gnomAD exomes below 0.00001; TOPMed below 0.00001.
gnomAD v4.1: 1 of 1,614,030 alleles (0.000062%); highest among the groups gnomAD compares: Admixed American, 0.0017%; no homozygotes.

Submission:

Labcorp Genetics (formerly Invitae), Labcorp
Classification: Uncertain significance. Last evaluated: 2023-07-16. Review status: criteria provided, single submitter. Criteria: Invitae Variant Classification Sherloc (09022015). Collection method: clinical testing. Allele origin: germline.
Comment: In summary, the available evidence is currently insufficient to determine the role of this variant in disease. Therefore, it has been classified as a Variant of Uncertain Significance. Algorithms developed to predict the effect of sequence changes on RNA splicing suggest that this variant may disrupt the consensus splice site. This variant has not been reported in the literature in individuals affected with ITGAM-related conditions. This variant is not present in population databases (gnomAD no frequency). This sequence change affects a donor splice site in intron 15 of the ITGAM gene. It is expected to disrupt RNA splicing. Variants that disrupt the donor or acceptor splice site typically lead to a loss of protein function (PMID: 16199547), however the current clinical and genetic evidence is not sufficient to establish whether loss-of-function variants in ITGAM cause disease.

Literature cited by the submitters: PubMed 16199547.

NM_000632.4(ITGAM):c.1838+2T>A

Gene: ITGAM (integrin subunit alpha M; plus strand). Cytogenetic location: 16p11.2.
Variant type: single nucleotide variant.
Coding change: c.1838+2T>A on transcript NM_000632.4 (MANE Select); the canonical splice donor site of the intron after coding-DNA position 1838, T replaced by A.
Molecular consequence: splice donor variant.
Genome position (GRCh38, 1-based): chr16:31,321,373, T>A. VCF-style: chr16-31321373-T-A. GRCh37 (hg19) VCF-style: chr16-31332694-T-A.
Other names: c.1841+2T>A (NM_001145808.2).
Identifiers: ClinVar variation 2968688 (VCV002968688.3), dbSNP rs772762313, ClinGen allele CA280614871.